The following is an entry in ClinVar:

NM_033118.4(MYLK2):c.1375A>C (p.Ile459Leu)

Gene: MYLK2 (myosin light chain kinase 2; plus strand). Cytogenetic location: 20q11.21.
Variant type: single nucleotide variant.
Coding change: c.1375A>C on transcript NM_033118.4 (MANE Select); coding-DNA position 1375, A replaced by C.
Protein change: p.Ile459Leu; replaces isoleucine 459 with leucine.
Molecular consequence: missense variant.
Genome position (GRCh38, 1-based): chr20:31,831,092, A>C. VCF-style: chr20-31831092-A-C. GRCh37 (hg19) VCF-style: chr20-30418895-A-C.
Other names: short protein forms I459L.
Identifiers: ClinVar variation 3665305 (VCV003665305.3).

ClinVar aggregate classification (germline): Uncertain significance. Review status: criteria provided, multiple submitters, no conflicts (2 of 4 stars). 2 submissions from 2 submitters: Uncertain significance (2). Last evaluated 2025-04-02.

Conditions:
Hypertrophic cardiomyopathy 1 (CMH1). Also called: MYH7-Related Familial Hypertrophic Cardiomyopathy; Familial hypertrophic cardiomyopathy 1. Identifiers: MedGen C3495498, MONDO:0008647, OMIM 192600.

gnomAD v4.1: 1 of 1,614,096 alleles (0.000062%); highest among the groups gnomAD compares: Non-Finnish European, 0.000085%; no homozygotes.

Submissions (2):

Ambry Genetics
Classification: Uncertain significance. Last evaluated: 2025-04-02. Review status: criteria provided, single submitter. Criteria: Ambry Variant Classification Scheme 2023. Collection method: clinical testing. Allele origin: germline.
Comment: The p.I459L variant (also known as c.1375A>C), located in coding exon 9 of the MYLK2 gene, results from an A to C substitution at nucleotide position 1375. The isoleucine at codon 459 is replaced by leucine, an amino acid with highly similar properties. This amino acid position is conserved. In addition, this alteration is predicted to be tolerated by in silico analysis. Based on the available evidence, the clinical significance of this variant remains unclear.

Labcorp Genetics (formerly Invitae), Labcorp
Classification: Uncertain significance for Hypertrophic cardiomyopathy 1. Last evaluated: 2024-09-04. Review status: criteria provided, single submitter. Criteria: Invitae Variant Classification Sherloc (09022015). Collection method: clinical testing. Allele origin: germline.
Comment: This sequence change replaces isoleucine, which is neutral and non-polar, with leucine, which is neutral and non-polar, at codon 459 of the MYLK2 protein (p.Ile459Leu). This variant is present in population databases (no rsID available, gnomAD 0.0009%). This variant has not been reported in the literature in individuals affected with MYLK2-related conditions. Invitae Evidence Modeling of protein sequence and biophysical properties (such as structural, functional, and spatial information, amino acid conservation, physicochemical variation, residue mobility, and thermodynamic stability) indicates that this missense variant is not expected to disrupt MYLK2 protein function with a negative predictive value of 80%. In summary, the available evidence is currently insufficient to determine the role of this variant in disease. Therefore, it has been classified as a Variant of Uncertain Significance.